The following is an entry in ClinVar:

ClinVar aggregate classification (germline): Uncertain significance (1 of 4 stars; one submission).

Allele frequency attached by ClinVar (database versions not stated): TOPMed below 0.00001.
gnomAD v4.1: 1 of 1,614,042 alleles (0.000062%); highest among the groups gnomAD compares: Non-Finnish European, 0.000085%; no homozygotes.

Submission:

Labcorp Genetics (formerly Invitae), Labcorp
Classification: Uncertain significance. Last evaluated: 2021-11-12. Review status: criteria provided, single submitter. Criteria: Invitae Variant Classification Sherloc (09022015). Collection method: clinical testing. Allele origin: germline.
Comment: In summary, the available evidence is currently insufficient to determine the role of this variant in disease. Therefore, it has been classified as a Variant of Uncertain Significance. Algorithms developed to predict the effect of missense changes on protein structure and function are either unavailable or do not agree on the potential impact of this missense change (SIFT: "Deleterious"; PolyPhen-2: "Benign"; Align-GVGD: "Class C0"). This variant has not been reported in the literature in individuals affected with TUBGCP6-related conditions. This variant is not present in population databases (gnomAD no frequency). This sequence change replaces serine, which is neutral and polar, with threonine, which is neutral and polar, at codon 275 of the TUBGCP6 protein (p.Ser275Thr).

NM_020461.4(TUBGCP6):c.824G>C (p.Ser275Thr)

Gene: TUBGCP6 (tubulin gamma complex component 6; minus strand). Cytogenetic location: 22q13.33.
Variant type: single nucleotide variant.
Coding change: c.824G>C on transcript NM_020461.4 (MANE Select); coding-DNA position 824, G replaced by C.
Protein change: p.Ser275Thr; replaces serine 275 with threonine.
Molecular consequence: missense variant.
Genome position (GRCh38, 1-based): chr22:50,240,285, C>G on the plus strand (G>C on the coding strand, the complement: TUBGCP6 is on the minus strand). VCF-style: chr22-50240285-C-G. GRCh37 (hg19) VCF-style: chr22-50678714-C-G.
Other names: short protein forms S275T.
Identifiers: ClinVar variation 1392859 (VCV001392859.5), dbSNP rs2064824267, ClinGen allele CA412112151.